The following is an entry in ClinVar:

NM_001200.4(BMP2):c.871C>T (p.Arg291Cys)

Gene: BMP2 (bone morphogenetic protein 2; plus strand). Cytogenetic location: 20p12.3.
Variant type: single nucleotide variant.
Coding change: c.871C>T on transcript NM_001200.4 (MANE Select); coding-DNA position 871, C replaced by T.
Protein change: p.Arg291Cys; replaces arginine 291 with cysteine.
Molecular consequence: missense variant.
Genome position (GRCh38, 1-based): chr20:6,778,769, C>T. VCF-style: chr20-6778769-C-T. GRCh37 (hg19) VCF-style: chr20-6759416-C-T.
Other names: short protein forms R291C.
Identifiers: ClinVar variation 1470521 (VCV001470521.8), dbSNP rs759121274, ClinGen allele CA9758757.

ClinVar aggregate classification (germline): Uncertain significance (1 of 4 stars; one submission).

Allele frequency attached by ClinVar (database versions not stated): ExAC 0.00002; gnomAD 0.00003 and 0.00004; gnomAD exomes 0.00003; TOPMed 0.00004.

Submission:

Labcorp Genetics (formerly Invitae), Labcorp
Classification: Uncertain significance. Last evaluated: 2021-07-10. Review status: criteria provided, single submitter. Criteria: Invitae Variant Classification Sherloc (09022015). Collection method: clinical testing. Allele origin: germline.
Comment: In summary, the available evidence is currently insufficient to determine the role of this variant in disease. Therefore, it has been classified as a Variant of Uncertain Significance. This sequence change replaces arginine with cysteine at codon 291 of the BMP2 protein (p.Arg291Cys). The arginine residue is moderately conserved and there is a large physicochemical difference between arginine and cysteine. This variant is present in population databases (rs759121274, ExAC 0.01%). This variant has not been reported in the literature in individuals affected with BMP2-related conditions. Algorithms developed to predict the effect of missense changes on protein structure and function are either unavailable or do not agree on the potential impact of this missense change (SIFT: "Not Available"; PolyPhen-2: "Probably Damaging"; Align-GVGD: "Not Available").